The following is an entry in ClinVar:

NM_003873.7(NRP1):c.608G>C (p.Gly203Ala)

Gene: NRP1 (neuropilin 1; minus strand). Cytogenetic location: 10p11.22.
Variant type: single nucleotide variant.
Coding change: c.608G>C on transcript NM_003873.7 (MANE Select); coding-DNA position 608, G replaced by C.
Protein change: p.Gly203Ala; replaces glycine 203 with alanine.
Molecular consequence: missense variant. On other transcripts: non-coding transcript variant (1).
Genome position (GRCh38, 1-based): chr10:33,263,696, C>G on the plus strand (G>C on the coding strand, the complement: NRP1 is on the minus strand). VCF-style: chr10-33263696-C-G. GRCh37 (hg19) VCF-style: chr10-33552624-C-G.
Other names: c.608G>C, p.Gly203Ala (NM_001024629.3, NM_001244972.2, NM_001244973.2 and 2 more transcripts); short protein forms G203A.
Identifiers: ClinVar variation 3355315 (VCV003355315.3).

ClinVar aggregate classification (germline): Uncertain significance. Review status: criteria provided, multiple submitters, no conflicts (2 of 4 stars). 2 submissions from 2 submitters: Uncertain significance (2). Last evaluated 2025-08-23.

Conditions:
NRP1-related disorder. Also called: NRP1-related condition.

gnomAD v4.1: 8 of 1,613,940 alleles (0.0005%); highest among the groups gnomAD compares: Admixed American, 0.0067%; no homozygotes.

Submissions (2):

Ambry Genetics
Classification: Uncertain significance. Last evaluated: 2025-08-23. Review status: criteria provided, single submitter. Criteria: Ambry Variant Classification Scheme 2023. Collection method: clinical testing. Allele origin: germline.

PreventionGenetics, part of Exact Sciences
Classification: Uncertain significance for NRP1-related condition. Last evaluated: 2025-07-15. Review status: criteria provided, single submitter. Criteria: ACMG Guidelines, 2015. Collection method: clinical testing. Allele origin: germline.
Comment: The NRP1 c.608G>C variant is predicted to result in the amino acid substitution p.Gly203Ala. To our knowledge, this variant has not been reported in the literature. This variant is reported in 0.00088% of alleles in individuals of European (Non-Finnish) descent in gnomAD. At this time, the clinical significance of this variant is uncertain due to the absence of conclusive functional and genetic evidence.